The following is an entry in ClinVar:

ClinVar aggregate classification (germline): Uncertain significance (1 of 4 stars; one submission).

Submission:

Dasa
Classification: Uncertain significance. Last evaluated: 2024-08-07. Review status: criteria provided, single submitter. Criteria: DASA Assertion Criteria. Collection method: clinical testing. Allele origin: germline.
Comment: NM_006267.5(RANBP2):c.9522A>G (p.Ile3174Met) is a missense variant that results in the substitution of isoleucine with methionine. This variant is absent from population databases. Computational prediction algorithms are consistent with a benign effect. The currently available literature and clinical evidence are not sufficient to establish a definitive association between this variant and the reported condition. Therefore, this variant is classified as a variant of uncertain significance.

NM_006267.5(RANBP2):c.9522A>G (p.Ile3174Met)

Gene: RANBP2 (RAN binding protein 2; plus strand). Cytogenetic location: 2q13.
Variant type: single nucleotide variant.
Coding change: c.9522A>G on transcript NM_006267.5 (MANE Select); coding-DNA position 9522, A replaced by G.
Protein change: p.Ile3174Met; replaces isoleucine 3174 with methionine.
Molecular consequence: missense variant.
Genome position (GRCh38, 1-based): chr2:108,783,748, A>G. VCF-style: chr2-108783748-A-G. GRCh37 (hg19) VCF-style: chr2-109400204-A-G.
Other names: c.9600A>G, p.Ile3200Met (NM_001415871.1); c.9519A>G, p.Ile3173Met (NM_001415872.1); c.9546A>G, p.Ile3182Met (NM_001415873.1); short protein forms I3173M, I3174M, I3182M, I3200M.
Identifiers: ClinVar variation 4885263 (VCV004885263.2).